The following is an entry in ClinVar:

NM_000078.3(CETP):c.1407+5G>A

Gene: CETP (cholesteryl ester transfer protein; plus strand). Cytogenetic location: 16q13.
Variant type: single nucleotide variant.
Coding change: c.1407+5G>A on transcript NM_000078.3 (MANE Select); 5 bases into the intron after coding-DNA position 1407, G replaced by A.
Molecular consequence: intron variant.
Genome position (GRCh38, 1-based): chr16:56,983,416, G>A. VCF-style: chr16-56983416-G-A. GRCh37 (hg19) VCF-style: chr16-57017328-G-A.
Other names: NC_000016.9:g.57017328G>A; c.1227+5G>A (NM_001286085.2).
Identifiers: ClinVar variation 2481952 (VCV002481952.3), dbSNP rs775438010, ClinGen allele CA8071378.

ClinVar aggregate classification (germline): Uncertain significance (1 of 4 stars; one submission).

Allele frequency attached by ClinVar (database versions not stated): ExAC 0.00001; gnomAD 0.00001; gnomAD exomes 0.00001; TOPMed 0.00001.
gnomAD v4.1: 9 of 1,613,938 alleles (0.00056%); highest among the groups gnomAD compares: East Asian, 0.016%; no homozygotes.

Submissions (2):

Ambry Genetics
Classification: Uncertain significance. Last evaluated: 2023-02-13. Review status: criteria provided, single submitter. Criteria: Ambry Variant Classification Scheme 2023. Collection method: clinical testing. Allele origin: germline.
Comment: Does not currently meet published gene-disease clinical validity criteria for this gene Based on insufficient or conflicting evidence, the clinical significance of this alteration remains unclear.

Dr. Peter K. Rogan Lab, Western University
No classification provided (evidence only). Condition: Familial cancer of breast. Review status: no classification provided. Collection method: in vitro. Allele origin: not applicable. Functional consequence: skipped exon, retained intron. Not counted in ClinVar's aggregate classification.

Literature cited by the submitters: PubMed 28106320 (cited by Ambry Genetics).